The following is an entry in ClinVar:

ClinVar aggregate classification (germline): Uncertain significance. Review status: criteria provided, multiple submitters, no conflicts (2 of 4 stars). 2 submissions from 2 submitters: Uncertain significance (2). Last evaluated 2026-07-28.

Conditions:
Dilated cardiomyopathy 1J (CMD1J). Also called: CARDIOMYOPATHY, DILATED, WITH SENSORINEURAL HEARING LOSS, AUTOSOMAL DOMINANT. Identifiers: Orphanet 217622, MedGen C1854368, MONDO:0011541, OMIM 605362.
Cardiovascular phenotype. Identifiers: MedGen CN230736.

Allele frequency attached by ClinVar (database versions not stated): TOPMed below 0.00001.

Submissions (2):

Ambry Genetics
Classification: Uncertain significance for Cardiovascular phenotype. Last evaluated: 2026-07-28. Review status: criteria provided, single submitter. Criteria: Ambry Variant Classification Scheme 2023. Collection method: clinical testing. Allele origin: germline.
Comment: The p.A510T variant (also known as c.1528G>A), located in coding exon 16 of the EYA4 gene, results from a G to A substitution at nucleotide position 1528. The alanine at codon 510 is replaced by threonine, an amino acid with similar properties. This amino acid position is conserved. In addition, the in silico prediction for this alteration is inconclusive. Based on the available evidence, the clinical significance of this variant remains unclear.

Labcorp Genetics (formerly Invitae), Labcorp
Classification: Uncertain significance for Dilated cardiomyopathy 1J. Last evaluated: 2023-03-20. Review status: criteria provided, single submitter. Criteria: Invitae Variant Classification Sherloc (09022015). Collection method: clinical testing. Allele origin: germline.
Comment: In summary, the available evidence is currently insufficient to determine the role of this variant in disease. Therefore, it has been classified as a Variant of Uncertain Significance. This sequence change replaces alanine, which is neutral and non-polar, with threonine, which is neutral and polar, at codon 510 of the EYA4 protein (p.Ala510Thr). This variant is not present in population databases (gnomAD no frequency). This variant has not been reported in the literature in individuals affected with EYA4-related conditions. Advanced modeling of protein sequence and biophysical properties (such as structural, functional, and spatial information, amino acid conservation, physicochemical variation, residue mobility, and thermodynamic stability) performed at Invitae indicates that this missense variant is not expected to disrupt EYA4 protein function.

NM_004100.5(EYA4):c.1528G>A (p.Ala510Thr)

Genes: EYA4 (EYA transcriptional coactivator and phosphatase 4; plus strand), TARID (TCF21 antisense RNA inducing promoter demethylation; minus strand). Cytogenetic location: 6q23.2.
Variant type: single nucleotide variant.
Coding change: c.1528G>A on transcript NM_004100.5 (MANE Select); coding-DNA position 1528, G replaced by A.
Protein change: p.Ala510Thr; replaces alanine 510 with threonine.
Molecular consequence: missense variant.
Genome position (GRCh38, 1-based): chr6:133,515,347, G>A. VCF-style: chr6-133515347-G-A. GRCh37 (hg19) VCF-style: chr6-133836485-G-A.
Other names: c.1366G>A, p.Ala456Thr (NM_001301012.2); c.1546G>A, p.Ala516Thr (NM_001301013.2); c.1459G>A, p.Ala487Thr (NM_001370458.1, NM_172103.4); c.1384G>A, p.Ala462Thr (NM_001370459.1); c.1528G>A, p.Ala510Thr (NM_172105.4); c.1528G>A (NM_004100.4); short protein forms A456T, A462T, A510T, A487T, A516T.
Identifiers: ClinVar variation 3014727 (VCV003014727.4), dbSNP rs1799501560, ClinGen allele CA365695366.